The following is an entry in ClinVar:

ClinVar aggregate classification (germline): Conflicting classifications of pathogenicity. Review status: criteria provided, conflicting classifications (1 of 4 stars). 3 submissions from 3 submitters: Uncertain significance (2); Likely benign (1). Last evaluated 2025-05-23.

Conditions:
Familial thoracic aortic aneurysm and aortic dissection (TAAD). Also called: Thoracic aortic aneurysms and dissections. Identifiers: Orphanet 91387, MedGen C4707243, MONDO:0019625.
Congenital contractural arachnodactyly (CCA). Also called: BEALS SYNDROME; Beals-Hecht syndrome; Arthrogryposis, distal, type 9. Identifiers: Orphanet 115, MedGen C0220668, MONDO:0007363, OMIM 121050.
Macular degeneration, early-onset (EOMD). Identifiers: MedGen C4015286, MONDO:0014501, OMIM 616118.

Allele frequency attached by ClinVar (database versions not stated): TOPMed 0.00014; 1000 Genomes Project 30x 0.00031.
gnomAD v4.1: 61 of 1,614,066 alleles (0.0038%); highest among the groups gnomAD compares: African/African-American, 0.032%; no homozygotes.

Submissions (3):

Labcorp Genetics (formerly Invitae), Labcorp
Classification: Likely benign for Congenital contractural arachnodactyly. Last evaluated: 2025-05-23. Review status: criteria provided, single submitter. Criteria: Invitae Variant Classification Sherloc (09022015). Collection method: clinical testing. Allele origin: germline.

Fulgent Genetics
Classification: Uncertain significance for Congenital contractural arachnodactyly; Macular degeneration, early-onset. Last evaluated: 2024-02-08. Review status: criteria provided, single submitter. Criteria: ACMG Guidelines, 2015. Collection method: clinical testing. Allele origin: germline.

Ambry Genetics
Classification: Uncertain significance for Familial thoracic aortic aneurysm and aortic dissection. Last evaluated: 2022-08-04. Review status: criteria provided, single submitter. Criteria: Ambry Variant Classification Scheme 2023. Collection method: clinical testing. Allele origin: germline.
Comment: The p.R2473Q variant (also known as c.7418G>A), located in coding exon 58 of the FBN2 gene, results from a G to A substitution at nucleotide position 7418. The arginine at codon 2473 is replaced by glutamine, an amino acid with highly similar properties. This amino acid position is well conserved in available vertebrate species. In addition, the in silico prediction for this alteration is inconclusive. Since supporting evidence is limited at this time, the clinical significance of this alteration remains unclear.

NM_001999.4(FBN2):c.7418G>A (p.Arg2473Gln)

Gene: FBN2 (fibrillin 2; minus strand). Cytogenetic location: 5q23.3.
Variant type: single nucleotide variant.
Coding change: c.7418G>A on transcript NM_001999.4 (MANE Select); coding-DNA position 7418, G replaced by A.
Protein change: p.Arg2473Gln; replaces arginine 2473 with glutamine.
Molecular consequence: missense variant.
Genome position (GRCh38, 1-based): chr5:128,277,933, C>T on the plus strand (G>A on the coding strand, the complement: FBN2 is on the minus strand). VCF-style: chr5-128277933-C-T. GRCh37 (hg19) VCF-style: chr5-127613625-C-T.
Other names: short protein forms R2473Q.
Identifiers: ClinVar variation 263894 (VCV000263894.16), dbSNP rs28763925, ClinGen allele CA3394128.